The following is an entry in ClinVar:

NM_001626.6(AKT2):c.380C>T (p.Pro127Leu)

Gene: AKT2 (AKT serine/threonine kinase 2; minus strand). Cytogenetic location: 19q13.2.
Variant type: single nucleotide variant.
Coding change: c.380C>T on transcript NM_001626.6 (MANE Select); coding-DNA position 380, C replaced by T.
Protein change: p.Pro127Leu; replaces proline 127 with leucine.
Molecular consequence: missense variant.
Genome position (GRCh38, 1-based): chr19:40,242,595, G>A on the plus strand (C>T on the coding strand, the complement: AKT2 is on the minus strand). VCF-style: chr19-40242595-G-A. GRCh37 (hg19) VCF-style: chr19-40748502-G-A.
Other names: c.194C>T, p.Pro65Leu (NM_001243027.3, NM_001243028.3); c.380C>T, p.Pro127Leu (NM_001330511.1); short protein forms P127L, P65L.
Identifiers: ClinVar variation 2944308 (VCV002944308.3), dbSNP rs1217996479, ClinGen allele CA405869300.
Genomic context (GRCh38, chr19:40,242,595, plus strand): 5'-ACTTTAGCCCGTGCCTTGCTGACCGCCACTTCCATCTCCTCAGTCGTGGAGGAGTCACTG[G>A]GGGAGCCACACTTGTAGTCCATGGGGTCCTCGCCTGGGGCCCGCTGCTTGAGGCTGTTGG-3'
Protein context (NP_001617.1, residues 117-137): EDPMDYKCGS[Pro127Leu]SDSSTTEEME

ClinVar aggregate classification (germline): Uncertain significance (1 of 4 stars; one submission).

Conditions:
Type 2 diabetes mellitus. Also called: Type II diabetes mellitus. Identifiers: MedGen C0011860, MeSH D003924, MONDO:0005148, OMIM 125853, HP:0005978.
Hypoinsulinemic hypoglycemia and body hemihypertrophy. Also called: Hypoinsulinemic hypoglycemia and hemihypertrophy. Identifiers: Orphanet 293964, MedGen C3278384, MONDO:0009416, OMIM 240900.

Allele frequency attached by ClinVar (database versions not stated): gnomAD exomes below 0.00001; gnomAD 0.00001; TOPMed 0.00001.
gnomAD v4.1: 6 of 1,613,754 alleles (0.00037%); highest among the groups gnomAD compares: Non-Finnish European, 0.00042%; no homozygotes.

Submission:

Labcorp Genetics (formerly Invitae), Labcorp
Classification: Uncertain significance for Hypoinsulinemic hypoglycemia and body hemihypertrophy; Type 2 diabetes mellitus. Last evaluated: 2023-09-04. Review status: criteria provided, single submitter. Criteria: Invitae Variant Classification Sherloc (09022015). Collection method: clinical testing. Allele origin: germline.
Comment: This sequence change replaces proline, which is neutral and non-polar, with leucine, which is neutral and non-polar, at codon 127 of the AKT2 protein (p.Pro127Leu). This variant is not present in population databases (gnomAD no frequency). This variant has not been reported in the literature in individuals affected with AKT2-related conditions. An algorithm developed to predict the effect of missense changes on protein structure and function (PolyPhen-2) suggests that this variant is likely to be disruptive. In summary, the available evidence is currently insufficient to determine the role of this variant in disease. Therefore, it has been classified as a Variant of Uncertain Significance.